The following is an entry in ClinVar:

ClinVar aggregate classification (germline): Conflicting classifications of pathogenicity. Review status: criteria provided, conflicting classifications (1 of 4 stars). 2 submissions from 2 submitters: Pathogenic (1); Uncertain significance (1). Last evaluated 2024-05-01.

Conditions:
Wilms tumor 1 (WT1). Also called: Wilms tumor, somatic. Identifiers: Orphanet 654, MedGen CN033288, MONDO:0008679, OMIM 194070.
WT1-related disorder. Also called: WT1-related disorders. Identifiers: MedGen CN377814.

Submissions (2):

Swedish National ChiCaP Initative, Genomic Medicine Sweden
Classification: Pathogenic for WT1-related disorder. Last evaluated: 2024-05-01. Review status: criteria provided, single submitter. Criteria: ACMG Guidelines, 2015. Collection method: clinical testing. Allele origin: de novo. Affected: yes.

St. Jude Molecular Pathology, St. Jude Children's Research Hospital
Classification: Uncertain significance for Wilms tumor 1. Last evaluated: 2022-10-11. Review status: criteria provided, single submitter. Criteria: St. Jude Assertion Criteria 2020. Collection method: clinical testing. Allele origin: germline. Affected: yes.
Comment: The WT1 c.775C>T (p.Gln259Ter) change is a nonsense variant that is predicted to cause premature protein truncation and loss of normal protein function. This variant is absent in gnomAD v2.1.1. In summary, this variant meets criteria to be classified as pathogenic.

NM_024426.6(WT1):c.790C>T (p.Gln264Ter)

Gene: WT1 (WT1 transcription factor; minus strand). Cytogenetic location: 11p13.
Variant type: single nucleotide variant.
Coding change: c.790C>T on transcript NM_024426.6 (MANE Select); coding-DNA position 790, C replaced by T.
Protein change: p.Gln264Ter; replaces glutamine 264 with a stop codon.
Molecular consequence: nonsense. On other transcripts: non-coding transcript variant (1).
Genome position (GRCh38, 1-based): chr11:32,428,053, G>A on the plus strand (C>T on the coding strand, the complement: WT1 is on the minus strand). VCF-style: chr11-32428053-G-A. GRCh37 (hg19) VCF-style: chr11-32449599-G-A.
Other names: c.790C>T, p.Gln264Ter (NM_000378.6, NM_001407044.1, NM_001407045.1 and 4 more transcripts); c.139C>T, p.Gln47Ter (NM_001198551.2, NM_001198552.2); c.667C>T, p.Gln223Ter (NM_001407047.1, NM_001407050.1); c.28C>T, p.Gln10Ter (NM_001407051.1); c.775C>T, p.Gln259Ter (NM_024425.2); short protein forms Q10*, Q223*, Q259*, Q264*, Q47*.
Identifiers: ClinVar variation 2444884 (VCV002444884.2), dbSNP rs2494426706, ClinGen allele CA379963185.